The following is an entry in ClinVar:

NM_000260.4(MYO7A):c.5389G>A (p.Asp1797Asn)

Gene: MYO7A (myosin VIIA; plus strand). Cytogenetic location: 11q13.5.
Variant type: single nucleotide variant.
Coding change: c.5389G>A on transcript NM_000260.4 (MANE Select); coding-DNA position 5389, G replaced by A.
Protein change: p.Asp1797Asn; replaces aspartic acid 1797 with asparagine.
Molecular consequence: missense variant.
Genome position (GRCh38, 1-based): chr11:77,204,138, G>A. VCF-style: chr11-77204138-G-A. GRCh37 (hg19) VCF-style: chr11-76915183-G-A.
Other names: c.5275G>A, p.Asp1759Asn (NM_001127180.2); c.5242G>A, p.Asp1748Asn (NM_001369365.1); c.5389G>A (NM_000260.3); short protein forms D1748N, D1797N, D1759N.
Identifiers: ClinVar variation 2052818 (VCV002052818.5), dbSNP rs376674270, ClinGen allele CA6198701.

ClinVar aggregate classification (germline): Uncertain significance. Review status: criteria provided, multiple submitters, no conflicts (2 of 4 stars). 2 submissions from 2 submitters: Uncertain significance (2). Last evaluated 2026-06-03.

Allele frequency attached by ClinVar (database versions not stated): gnomAD 0.00002; TOPMed 0.00002; gnomAD exomes 0.00003; ExAC 0.00008; ESP Exome Variant Server 0.00024.
gnomAD v4.1: 43 of 1,598,758 alleles (0.0027%); highest among the groups gnomAD compares: African/African-American, 0.004%; no homozygotes.

Submissions (2):

GeneDx
Classification: Uncertain significance. Last evaluated: 2026-06-03. Review status: criteria provided, single submitter. Criteria: GeneDx Variant Classification Process June 2021. Collection method: clinical testing. Allele origin: germline.
Comment: In silico analysis supports that this missense variant has a deleterious effect on protein structure/function; Seen with two MYO7A variants phase unknown in a patient with hearing loss in published literature (PMID: 30358468); This variant is associated with the following publications: (PMID: 30358468)

Labcorp Genetics (formerly Invitae), Labcorp
Classification: Uncertain significance. Last evaluated: 2025-11-27. Review status: criteria provided, single submitter. Criteria: Invitae Variant Classification Sherloc (09022015). Collection method: clinical testing. Allele origin: germline.
Comment: This sequence change replaces aspartic acid, which is acidic and polar, with asparagine, which is neutral and polar, at codon 1797 of the MYO7A protein (p.Asp1797Asn). The frequency data for this variant in the population databases is considered unreliable, as metrics indicate poor data quality at this position in the gnomAD database. This missense change has been observed in individual(s) with Usher syndrome (PMID: 30358468). ClinVar contains an entry for this variant (Variation ID: 2052818). Invitae Evidence Modeling of protein sequence and biophysical properties (such as structural, functional, and spatial information, amino acid conservation, physicochemical variation, residue mobility, and thermodynamic stability) has been performed for this missense variant. However, the output from this modeling did not meet the statistical confidence thresholds required to predict the impact of this variant on MYO7A protein function. In summary, the available evidence is currently insufficient to determine the role of this variant in disease. Therefore, it has been classified as a Variant of Uncertain Significance.

Literature cited by the submitters: PubMed 30358468 (cited by Labcorp Genetics (formerly Invitae), Labcorp).